The following is an entry in ClinVar:

NM_080473.5(GATA5):c.326G>C (p.Gly109Ala)

Gene: GATA5 (GATA binding protein 5; minus strand). Cytogenetic location: 20q13.33.
Variant type: single nucleotide variant.
Coding change: c.326G>C on transcript NM_080473.5 (MANE Select); coding-DNA position 326, G replaced by C.
Protein change: p.Gly109Ala; replaces glycine 109 with alanine.
Molecular consequence: missense variant.
Genome position (GRCh38, 1-based): chr20:62,475,196, C>G on the plus strand (G>C on the coding strand, the complement: GATA5 is on the minus strand). VCF-style: chr20-62475196-C-G. GRCh37 (hg19) VCF-style: chr20-61050252-C-G.
Other names: short protein forms G109A.
Identifiers: ClinVar variation 3720701 (VCV003720701.2).

ClinVar aggregate classification (germline): Uncertain significance (1 of 4 stars; one submission).

Submission:

Labcorp Genetics (formerly Invitae), Labcorp
Classification: Uncertain significance. Last evaluated: 2024-05-04. Review status: criteria provided, single submitter. Criteria: Invitae Variant Classification Sherloc (09022015). Collection method: clinical testing. Allele origin: germline.
Comment: This sequence change replaces glycine, which is neutral and non-polar, with alanine, which is neutral and non-polar, at codon 109 of the GATA5 protein (p.Gly109Ala). This variant is not present in population databases (gnomAD no frequency). This variant has not been reported in the literature in individuals affected with GATA5-related conditions. Advanced modeling of protein sequence and biophysical properties (such as structural, functional, and spatial information, amino acid conservation, physicochemical variation, residue mobility, and thermodynamic stability) performed at Invitae indicates that this missense variant is not expected to disrupt GATA5 protein function with a negative predictive value of 80%. In summary, the available evidence is currently insufficient to determine the role of this variant in disease. Therefore, it has been classified as a Variant of Uncertain Significance.